The following is an entry in ClinVar:

ClinVar aggregate classification (germline): Pathogenic. Review status: criteria provided, single submitter (1 of 4 stars). 2 submissions from 2 submitters: Pathogenic (1). 1 of the submissions does not count toward it. Last evaluated 2017-07-01.

Conditions:
Autosomal recessive nonsyndromic hearing loss 4 (DFNB4). Also called: DEAFNESS, AUTOSOMAL RECESSIVE 4, WITH ENLARGED VESTIBULAR AQUEDUCT, DIGENIC; Enlarged vestibular aqueduct, digenic; Nonsyndromic enlarged vestibular aqueduct (NSEVA); Deafness, autosomal recessive 4, with enlarged vestibular aqueduct; FOXI1-Related Pendred Syndrome; KCNJ10-Related Pendred Syndrome. Identifiers: Orphanet 90636, MedGen C3538946, MONDO:0010933, OMIM 600791.

Allele frequency attached by ClinVar (database versions not stated): gnomAD exomes 0.00001.
gnomAD v4.1: 7 of 1,373,876 alleles (0.00051%); highest among the groups gnomAD compares: East Asian, 0.014%; no homozygotes.

Submissions (2):

Division of Hearing and Balance Research, National Hospital Organization Tokyo Medical Center
Classification: Pathogenic for Autosomal recessive nonsyndromic hearing loss 4. Last evaluated: 2017-07-01. Review status: criteria provided, single submitter. Criteria: Submitter's publication. Collection method: clinical testing. Allele origin: germline. Affected: yes. Observed: 1 variant allele.

National Institute of Sensory Organs, National Hospital Organization Tokyo Medical Center
Classification: Affects for Autosomal recessive nonsyndromic hearing loss 4. Last evaluated: 2019-08-20. Review status: no assertion criteria provided. Collection method: clinical testing, in vitro. Allele origin: inherited, germline. Inheritance: Autosomal recessive inheritance. Affected: yes. Functional consequence: loss_of_function_variant. Not counted in ClinVar's aggregate classification.
Comment: in vitro experiment

Literature cited by the submitters: PubMed 24105851 (cited by National Institute of Sensory Organs, National Hospital Organization Tokyo Medical Center); PubMed 31599023 (cited by National Institute of Sensory Organs, National Hospital Organization Tokyo Medical Center).

NM_000441.2(SLC26A4):c.2074T>C (p.Phe692Leu)

Gene: SLC26A4 (solute carrier family 26 member 4; plus strand). Cytogenetic location: 7q22.3.
Variant type: single nucleotide variant.
Coding change: c.2074T>C on transcript NM_000441.2 (MANE Select); coding-DNA position 2074, T replaced by C.
Protein change: p.Phe692Leu; replaces phenylalanine 692 with leucine.
Molecular consequence: missense variant.
Genome position (GRCh38, 1-based): chr7:107,704,370, T>C. VCF-style: chr7-107704370-T-C. GRCh37 (hg19) VCF-style: chr7-107344815-T-C.
Other names: short protein forms F692L.
Identifiers: ClinVar variation 446462 (VCV000446462.5), dbSNP rs1399914687, ClinGen allele CA368844476.